The following is an entry in ClinVar:

ClinVar aggregate classification (germline): Conflicting classifications of pathogenicity. Review status: criteria provided, conflicting classifications (1 of 4 stars). 3 submissions from 3 submitters: Uncertain significance (1); Benign (1); Likely benign (1). Last evaluated 2024-03-28.

Conditions:
Familial adenomatous polyposis 1 (FAP1). Also called: POLYPOSIS, ADENOMATOUS INTESTINAL; FAMILIAL ADENOMATOUS POLYPOSIS 1, ATTENUATED. Identifiers: MedGen C2713442, MONDO:0021056, OMIM 175100. Disease mechanism: loss of function.
Hereditary cancer-predisposing syndrome. Also called: Tumor predisposition; Neoplastic Syndromes, Hereditary; Hereditary Cancer Syndrome; Hereditary neoplastic syndrome. Identifiers: Orphanet 140162, MedGen C0027672, MeSH D009386, MONDO:0015356.

Submissions (3):

Myriad Genetics, Inc.
Classification: Benign for Familial adenomatous polyposis 1. Last evaluated: 2024-03-28. Review status: criteria provided, single submitter. Criteria: Myriad Autosomal Dominant, Autosomal Recessive and X-Linked Classification Criteria (2023). Collection method: clinical testing. Allele origin: unknown.
Comment: This variant is considered benign. This variant is a silent/synonymous amino acid change and it is not expected to impact splicing.

Ambry Genetics
Classification: Likely benign for Hereditary cancer-predisposing syndrome. Last evaluated: 2019-08-16. Review status: criteria provided, single submitter. Criteria: Ambry Variant Classification Scheme 2023. Collection method: clinical testing. Allele origin: germline.

Quest Diagnostics Nichols Institute San Juan Capistrano
Classification: Uncertain significance. Last evaluated: 2018-10-14. Review status: criteria provided, single submitter. Criteria: Quest Diagnostics criteria. Collection method: clinical testing. Allele origin: germline.

NM_000038.6(APC):c.5118A>G (p.Ser1706=)

Gene: APC (APC regulator of Wnt signaling pathway; plus strand). Cytogenetic location: 5q22.2.
Variant type: single nucleotide variant.
Coding change: c.5118A>G on transcript NM_000038.6 (MANE Select); coding-DNA position 5118, A replaced by G.
Protein change: p.Ser1706=; no amino-acid change (serine 1706 retained).
Molecular consequence: synonymous variant.
Genome position (GRCh38, 1-based): chr5:112,840,712, A>G. VCF-style: chr5-112840712-A-G. GRCh37 (hg19) VCF-style: chr5-112176409-A-G.
Other names: c.5118A>G, p.Ser1706= (NM_001127510.3, NM_001354895.2); c.5064A>G, p.Ser1688= (NM_001127511.3); c.5172A>G, p.Ser1724= (NM_001354896.2); c.5148A>G, p.Ser1716= (NM_001354897.2); c.5043A>G, p.Ser1681= (NM_001354898.2); c.5034A>G, p.Ser1678= (NM_001354899.2); c.4995A>G, p.Ser1665= (NM_001354900.2); c.4941A>G, p.Ser1647= (NM_001354901.2); and 5 more.
Identifiers: ClinVar variation 801035 (VCV000801035.4), dbSNP rs1580656415, ClinGen allele CA446209589.